The following is an entry in ClinVar:

NM_007194.4(CHEK2):c.613A>C (p.Thr205Pro)

Gene: CHEK2 (checkpoint kinase 2; minus strand). Cytogenetic location: 22q12.1.
Variant type: single nucleotide variant.
Coding change: c.613A>C on transcript NM_007194.4 (MANE Select); coding-DNA position 613, A replaced by C.
Protein change: p.Thr205Pro; replaces threonine 205 with proline.
Molecular consequence: missense variant. On other transcripts: 5 prime UTR variant (2), intron variant (1).
Genome position (GRCh38, 1-based): chr22:28,719,465, T>G on the plus strand (A>C on the coding strand, the complement: CHEK2 is on the minus strand). VCF-style: chr22-28719465-T-G. GRCh37 (hg19) VCF-style: chr22-29115453-T-G.
Other names: c.742A>C, p.Thr248Pro (NM_001005735.3, NM_001438294.1); c.-51A>C (NM_001257387.3, NM_001437942.1); c.706A>C, p.Thr236Pro (NM_001438293.1, NM_001438295.1); c.613A>C, p.Thr205Pro (NM_145862.3); c.482+5421A>C (NM_001349956.3); short protein forms T205P, T248P, T236P.
Identifiers: ClinVar variation 3226038 (VCV003226038.1), dbSNP rs587780187, ClinGen allele CA411105119.

ClinVar aggregate classification (germline): Uncertain significance (1 of 4 stars; one submission).

Conditions:
Hereditary cancer-predisposing syndrome. Also called: Neoplastic Syndromes, Hereditary; Tumor predisposition; Hereditary neoplastic syndrome; Hereditary Cancer Syndrome. Identifiers: Orphanet 140162, MedGen C0027672, MeSH D009386, MONDO:0015356.

gnomAD v4.1: 1 of 1,593,588 alleles (0.000063%); highest among the groups gnomAD compares: Non-Finnish European, 0.000086%; no homozygotes.

Submission:

Ambry Genetics
Classification: Uncertain significance for Hereditary cancer-predisposing syndrome. Last evaluated: 2023-10-25. Review status: criteria provided, single submitter. Criteria: Ambry Variant Classification Scheme 2023. Collection method: clinical testing. Allele origin: germline.
Comment: The p.T205P variant (also known as c.613A>C), located in coding exon 4 of the CHEK2 gene, results from an A to C substitution at nucleotide position 613. The threonine at codon 205 is replaced by proline, an amino acid with highly similar properties. This amino acid position is conserved. In addition, this alteration is predicted to be deleterious by in silico analysis. Since supporting evidence is limited at this time, the clinical significance of this alteration remains unclear.